The following is an entry in ClinVar:

NM_031942.5(CDCA7):c.1142G>A (p.Arg381Gln)

Gene: CDCA7 (cell division cycle associated 7; plus strand). Cytogenetic location: 2q31.1.
Variant type: single nucleotide variant.
Coding change: c.1142G>A on transcript NM_031942.5 (MANE Select); coding-DNA position 1142, G replaced by A.
Protein change: p.Arg381Gln; replaces arginine 381 with glutamine.
Molecular consequence: missense variant.
Genome position (GRCh38, 1-based): chr2:173,366,389, G>A. VCF-style: chr2-173366389-G-A. GRCh37 (hg19) VCF-style: chr2-174231117-G-A.
Other names: c.905G>A, p.Arg302Gln (NM_145810.3); c.1142G>A (NM_031942.4); short protein forms R302Q, R381Q.
Identifiers: ClinVar variation 1415033 (VCV001415033.4), dbSNP rs748528043, ClinGen allele CA1971445.
Genomic context (GRCh38, chr2:173,366,389, plus strand): 5'-CAAACTGCAGAAACCCAGACTGCTGGGGCGTTCGAGGCCAGTTCTGTGGCCCCTGCCTTC[G>A]AAACCGTTATGGTGAAGAGGTCAGGGATGCTCTGCTGGATCCGGTAGGTGCCTGCCAGGG-3'
Protein context (NP_114148.3, residues 371-391): VRGQFCGPCL[Arg381Gln]NRYGEEVRDA

ClinVar aggregate classification (germline): Uncertain significance. Review status: criteria provided, multiple submitters, no conflicts (2 of 4 stars). 2 submissions from 2 submitters: Uncertain significance (2). Last evaluated 2025-01-27.

Allele frequency attached by ClinVar (database versions not stated): ExAC 0.00001; gnomAD 0.00001; gnomAD exomes 0.00001 and 0.00003; TOPMed 0.00001.

Submissions (2):

Ambry Genetics
Classification: Uncertain significance. Last evaluated: 2025-01-27. Review status: criteria provided, single submitter. Criteria: Ambry Variant Classification Scheme 2023. Collection method: clinical testing. Allele origin: germline.

Labcorp Genetics (formerly Invitae), Labcorp
Classification: Uncertain significance. Last evaluated: 2022-06-13. Review status: criteria provided, single submitter. Criteria: Invitae Variant Classification Sherloc (09022015). Collection method: clinical testing. Allele origin: germline.
Comment: This sequence change replaces arginine, which is basic and polar, with glutamine, which is neutral and polar, at codon 381 of the CDCA7 protein (p.Arg381Gln). This variant is present in population databases (rs748528043, gnomAD 0.003%). This variant has not been reported in the literature in individuals affected with CDCA7-related conditions. Algorithms developed to predict the effect of missense changes on protein structure and function are either unavailable or do not agree on the potential impact of this missense change (SIFT: "Tolerated"; PolyPhen-2: "Probably Damaging"; Align-GVGD: "Class C0"). In summary, the available evidence is currently insufficient to determine the role of this variant in disease. Therefore, it has been classified as a Variant of Uncertain Significance.